The following is an entry in ClinVar:

NM_005633.4(SOS1):c.3671A>T (p.Asp1224Val)

Gene: SOS1 (SOS Ras/Rac guanine nucleotide exchange factor 1; minus strand). Cytogenetic location: 2p22.1.
Variant type: single nucleotide variant.
Coding change: c.3671A>T on transcript NM_005633.4 (MANE Select); coding-DNA position 3671, A replaced by T.
Protein change: p.Asp1224Val; replaces aspartic acid 1224 with valine.
Molecular consequence: missense variant.
Genome position (GRCh38, 1-based): chr2:38,986,155, T>A on the plus strand (A>T on the coding strand, the complement: SOS1 is on the minus strand). VCF-style: chr2-38986155-T-A. GRCh37 (hg19) VCF-style: chr2-39213296-T-A.
Other names: c.3650A>T, p.Asp1217Val (NM_001382394.1); c.3626A>T, p.Asp1209Val (NM_001382395.1); short protein forms D1209V, D1217V, D1224V.
Identifiers: ClinVar variation 1938858 (VCV001938858.7), dbSNP rs747415691, ClinGen allele CA346362555.

ClinVar aggregate classification (germline): Uncertain significance. Review status: criteria provided, multiple submitters, no conflicts (2 of 4 stars). 3 submissions from 3 submitters: Uncertain significance (3). Last evaluated 2026-07-13.

Conditions:
RASopathy. Also called: rasopathies; Noonan spectrum disorder. Identifiers: Orphanet 536391, MedGen C5555857, MONDO:0021060.
Cardiovascular phenotype. Identifiers: MedGen CN230736.

Allele frequency attached by ClinVar (database versions not stated): TOPMed 0.00001.
gnomAD v4.1: 2 of 1,613,732 alleles (0.00012%); highest among the groups gnomAD compares: Admixed American, 0.0017%; no homozygotes.

Submissions (3):

Ambry Genetics
Classification: Uncertain significance for Cardiovascular phenotype. Last evaluated: 2026-07-13. Review status: criteria provided, single submitter. Criteria: Ambry Variant Classification Scheme 2023. Collection method: clinical testing. Allele origin: germline.
Comment: The p.D1224V variant (also known as c.3671A>T), located in coding exon 23 of the SOS1 gene, results from an A to T substitution at nucleotide position 3671. The aspartic acid at codon 1224 is replaced by valine, an amino acid with highly dissimilar properties. This amino acid position is conserved. In addition, this alteration is predicted to be deleterious by in silico analysis. Based on the available evidence, the clinical significance of this variant remains unclear.

GeneDx
Classification: Uncertain significance. Last evaluated: 2024-06-25. Review status: criteria provided, single submitter. Criteria: GeneDx Variant Classification Process June 2021. Collection method: clinical testing. Allele origin: germline. Affected: yes.
Comment: Not observed at significant frequency in large population cohorts (gnomAD); Missense variants in this gene are a common cause of disease and they are underrepresented in the general population; In silico analysis indicates that this missense variant does not alter protein structure/function; Has not been previously published as pathogenic or benign to our knowledge; This variant is associated with the following publications: (PMID: 29493581)

Labcorp Genetics (formerly Invitae), Labcorp
Classification: Uncertain significance for RASopathy. Last evaluated: 2022-04-09. Review status: criteria provided, single submitter. Criteria: Invitae Variant Classification Sherloc (09022015). Collection method: clinical testing. Allele origin: germline.
Comment: This sequence change replaces aspartic acid, which is acidic and polar, with valine, which is neutral and non-polar, at codon 1224 of the SOS1 protein (p.Asp1224Val). This variant is not present in population databases (gnomAD no frequency). This variant has not been reported in the literature in individuals affected with SOS1-related conditions. Advanced modeling of protein sequence and biophysical properties (such as structural, functional, and spatial information, amino acid conservation, physicochemical variation, residue mobility, and thermodynamic stability) performed at Invitae indicates that this missense variant is expected to disrupt SOS1 protein function. In summary, the available evidence is currently insufficient to determine the role of this variant in disease. Therefore, it has been classified as a Variant of Uncertain Significance.